The following is an entry in ClinVar:

ClinVar aggregate classification (germline): Likely benign (1 of 4 stars; one submission).

Allele frequency attached by ClinVar (database versions not stated): ExAC 0.00002; gnomAD exomes 0.00002; gnomAD 0.00003; TOPMed 0.00004; ESP Exome Variant Server 0.00008.
gnomAD v4.1: 36 of 1,614,206 alleles (0.0022%); highest among the groups gnomAD compares: Middle Eastern, 0.082%; no homozygotes.

Submission:

CeGaT Center for Human Genetics Tuebingen
Classification: Likely benign. Last evaluated: 2022-07-01. Review status: criteria provided, single submitter. Criteria: CeGaT Center For Human Genetics Tuebingen Variant Classification Criteria Version 2. Collection method: clinical testing. Allele origin: germline. Affected: yes. Observed: 1 variant allele.
Comment: FLG2: BP4, BP7

NM_001014342.3(FLG2):c.3846A>C (p.Ser1282=)

Genes: CCDST (cervical cancer associated DHX9 suppressive transcript; plus strand), FLG2 (filaggrin 2; minus strand). Cytogenetic location: 1q21.3.
Variant type: single nucleotide variant.
Coding change: c.3846A>C on transcript NM_001014342.3 (MANE Select); coding-DNA position 3846, A replaced by C.
Protein change: p.Ser1282=; no amino-acid change (serine 1282 retained).
Molecular consequence: synonymous variant.
Genome position (GRCh38, 1-based): chr1:152,353,940, T>G on the plus strand (A>C on the coding strand, the complement: FLG2 is on the minus strand). VCF-style: chr1-152353940-T-G. GRCh37 (hg19) VCF-style: chr1-152326416-T-G.
Identifiers: ClinVar variation 2639335 (VCV002639335.24), dbSNP rs370393163, ClinGen allele CA1108848.
Genomic context (GRCh38, chr1:152,353,940, plus strand): 5'-CTTTGGGTAGTGAGATCCAGCTTGTGTGTGAATGTGTTCTGAATGTCTGTGTGAGACCTT[T>G]GAGTGCACTTCACTGTCACTGTTCTCACTTTGGCTAGATCTTCGTCTTCTAGTTACCCTG-3'
Protein context (NP_001014364.1, residues 1272-1292): QSENSDSEVH[Ser1282=]KVSHRHSEHI